The following is an entry in ClinVar:

NM_001829.4(CLCN3):c.1261A>C (p.Thr421Pro)

Gene: CLCN3 (chloride voltage-gated channel 3; plus strand). Cytogenetic location: 4q33.
Variant type: single nucleotide variant.
Coding change: c.1261A>C on transcript NM_001829.4 (MANE Select); coding-DNA position 1261, A replaced by C.
Protein change: p.Thr421Pro; replaces threonine 421 with proline.
Molecular consequence: missense variant.
Genome position (GRCh38, 1-based): chr4:169,697,432, A>C. VCF-style: chr4-169697432-A-C. GRCh37 (hg19) VCF-style: chr4-170618583-A-C.
Other names: c.1180A>C, p.Thr394Pro (NM_001243372.2, NM_001243374.2); c.1261A>C, p.Thr421Pro (NM_173872.4); short protein forms T394P, T421P.
Identifiers: ClinVar variation 3898032 (VCV003898032.1).

ClinVar aggregate classification (germline): Uncertain significance (1 of 4 stars; one submission).

Conditions:
Neurodevelopmental disorder with hypotonia and brain abnormalities. Identifiers: MedGen C5561977, MONDO:0859187, OMIM 619512.

Submission:

Neuberg Centre For Genomic Medicine, NCGM
Classification: Uncertain significance for Neurodevelopmental disorder with hypotonia and brain abnormalities. Last evaluated: 2024-02-01. Review status: criteria provided, single submitter. Criteria: ACMG Guidelines, 2015. Collection method: clinical testing. Allele origin: germline. Inheritance: Autosomal dominant inheritance.
Comment: The above variant has not been reported previously as a pathogenic variant nor as a benign variant, to our knowledge. For these reasons, this variant has been classified as Variant of Uncertain Significance (VUS).